The following is an entry in ClinVar:

NM_024675.4(PALB2):c.788A>G (p.Glu263Gly)

Gene: PALB2 (partner and localizer of BRCA2; minus strand). Cytogenetic location: 16p12.2.
Variant type: single nucleotide variant.
Coding change: c.788A>G on transcript NM_024675.4 (MANE Select); coding-DNA position 788, A replaced by G.
Protein change: p.Glu263Gly; replaces glutamic acid 263 with glycine.
Molecular consequence: missense variant.
Genome position (GRCh38, 1-based): chr16:23,635,758, T>C on the plus strand (A>G on the coding strand, the complement: PALB2 is on the minus strand). VCF-style: chr16-23635758-T-C. GRCh37 (hg19) VCF-style: chr16-23647079-T-C.
Other names: short protein forms E263G.
Identifiers: ClinVar variation 185553 (VCV000185553.29), dbSNP rs745553724, ClinGen allele CA192260.

ClinVar aggregate classification (germline): Conflicting classifications of pathogenicity. Review status: criteria provided, conflicting classifications (1 of 4 stars). 8 submissions from 8 submitters: Uncertain significance (7); Likely benign (1). Last evaluated 2025-10-23.

Conditions:
Pancreatic cancer, susceptibility to, 3. Identifiers: Orphanet 1333, MedGen C3150547, MONDO:0013236, OMIM 613348.
Fanconi anemia complementation group N. Also called: PALB2-Related Fanconi Anemia. Identifiers: Orphanet 84, MedGen C1835817, MONDO:0012565, OMIM 610832. Disease mechanism: loss of function.
Breast-ovarian cancer, familial, susceptibility to, 5 (BROVCA5). Identifiers: MedGen C5830615, MONDO:0957530, OMIM 620442.
Hereditary cancer-predisposing syndrome. Also called: Tumor predisposition; Hereditary Cancer Syndrome; Hereditary neoplastic syndrome; Neoplastic Syndromes, Hereditary. Identifiers: Orphanet 140162, MedGen C0027672, MeSH D009386, MONDO:0015356.
Familial cancer of breast. Also called: BREAST CANCER, FAMILIAL; hereditary breast carcinoma; Hereditary breast cancer. Identifiers: Orphanet 227535, MedGen C0346153, MONDO:0016419, OMIM 114480. Disease mechanism: loss of function.

Allele frequency attached by ClinVar (database versions not stated): ExAC 0.00001; gnomAD exomes 0.00002 and 0.00003; TOPMed 0.00002.

Submissions (8):

Ambry Genetics
Classification: Uncertain significance for Hereditary cancer-predisposing syndrome. Last evaluated: 2025-10-23. Review status: criteria provided, single submitter. Criteria: Ambry Variant Classification Scheme 2023. Collection method: clinical testing. Allele origin: germline.
Comment: The p.E263G variant (also known as c.788A>G), located in coding exon 4 of the PALB2 gene, results from an A to G substitution at nucleotide position 788. The glutamic acid at codon 263 is replaced by glycine, an amino acid with similar properties. This amino acid position is not well conserved in available vertebrate species, and glycine is the reference amino acid in other vertebrate species. In addition, this alteration is predicted to be tolerated by in silico analysis. Since supporting evidence is limited at this time, the clinical significance of this alteration remains unclear.

Labcorp Genetics (formerly Invitae), Labcorp
Classification: Uncertain significance for Familial cancer of breast. Last evaluated: 2025-10-01. Review status: criteria provided, single submitter. Criteria: Invitae Variant Classification Sherloc (09022015). Collection method: clinical testing. Allele origin: germline.
Comment: This sequence change replaces glutamic acid, which is acidic and polar, with glycine, which is neutral and non-polar, at codon 263 of the PALB2 protein (p.Glu263Gly). This variant is present in population databases (rs745553724, gnomAD 0.02%). This variant has not been reported in the literature in individuals affected with PALB2-related conditions. ClinVar contains an entry for this variant (Variation ID: 185553). An algorithm developed to predict the effect of missense changes on protein structure and function outputs the following: PolyPhen-2: "Benign". The glycine amino acid residue is found in multiple mammalian species, which suggests that this missense change does not adversely affect protein function. In summary, the available evidence is currently insufficient to determine the role of this variant in disease. Therefore, it has been classified as a Variant of Uncertain Significance.

Quest Diagnostics Nichols Institute San Juan Capistrano
Classification: Uncertain significance. Last evaluated: 2025-07-31. Review status: criteria provided, single submitter. Criteria: Quest Diagnostics criteria. Collection method: clinical testing. Allele origin: unknown.
Comment: The PALB2 c.788A>G (p.Glu263Gly) variant has not been reported in individuals with PALB2-related conditions in the published literature. The frequency of this variant in the general population (Genome Aggregation Database) is uninformative in the assessment of its pathogenicity. Analysis of this variant using bioinformatics tools for the prediction of the effect of amino acid changes on protein structure and function yielded predictions that this variant is benign. Based on the available information, we are unable to determine the clinical significance of this variant.

Myriad Genetics, Inc.
Classification: Likely benign for Familial cancer of breast. Last evaluated: 2025-01-10. Review status: criteria provided, single submitter. Criteria: Myriad Autosomal Dominant, Autosomal Recessive and X-Linked Classification Criteria (2023). Collection method: clinical testing. Allele origin: unknown.
Comment: This variant is considered likely benign. This variant is strongly associated with less severe personal and family histories of cancer, typical for individuals without pathogenic variants in this gene [PMID: 25085752].

Fulgent Genetics
Classification: Uncertain significance for Fanconi anemia complementation group N; Pancreatic cancer, susceptibility to, 3; Breast-ovarian cancer, familial, susceptibility to, 5. Last evaluated: 2024-04-25. Review status: criteria provided, single submitter. Criteria: ACMG Guidelines, 2015. Collection method: clinical testing. Allele origin: germline.

Baylor Genetics
Classification: Uncertain significance for Familial cancer of breast. Last evaluated: 2023-09-28. Review status: criteria provided, single submitter. Criteria: ACMG Guidelines, 2015. Collection method: clinical testing. Allele origin: unknown.

Color Diagnostics, LLC DBA Color Health
Classification: Uncertain significance for Hereditary cancer-predisposing syndrome. Last evaluated: 2021-10-13. Review status: criteria provided, single submitter. Criteria: ACMG Guidelines, 2015. Collection method: clinical testing. Allele origin: germline.
Comment: This missense variant replaces glutamic acid with glycine at codon 263 of the PALB2 protein. Computational prediction suggests that this variant may not impact protein function. To our knowledge, functional assays have not been performed for this variant nor has this variant been reported in individuals affected with hereditary cancer in the literature. This variant has been identified in 7/251416 chromosomes in the general population by the Genome Aggregation Database (gnomAD). Available evidence is insufficient to determine the role of this variant in disease conclusively. Therefore, this variant is classified as a Variant of Uncertain Significance.

GeneDx
Classification: Uncertain significance. Last evaluated: 2021-07-19. Review status: criteria provided, single submitter. Criteria: GeneDx Variant Classification Process June 2021. Collection method: clinical testing. Allele origin: germline. Affected: yes.
Comment: In silico analysis supports that this missense variant does not alter protein structure/function; Has not been previously published as pathogenic or benign to our knowledge; This variant is associated with the following publications: (PMID: 19369211, 27535533)

Literature cited by the submitters: PubMed 25085752 (cited by Myriad Genetics, Inc.).